The following is an entry in ClinVar:

ClinVar aggregate classification (germline): Uncertain significance (1 of 4 stars; one submission).

gnomAD v4.1: 2 of 1,614,050 alleles (0.00012%); highest among the groups gnomAD compares: Non-Finnish European, 0.00017%; no homozygotes.

Submission:

Labcorp Genetics (formerly Invitae), Labcorp
Classification: Uncertain significance. Last evaluated: 2022-10-24. Review status: criteria provided, single submitter. Criteria: Invitae Variant Classification Sherloc (09022015). Collection method: clinical testing. Allele origin: germline.
Comment: In summary, the available evidence is currently insufficient to determine the role of this variant in disease. Therefore, it has been classified as a Variant of Uncertain Significance. Advanced modeling of protein sequence and biophysical properties (such as structural, functional, and spatial information, amino acid conservation, physicochemical variation, residue mobility, and thermodynamic stability) performed at Invitae indicates that this missense variant is expected to disrupt SEMA4A protein function. ClinVar contains an entry for this variant (Variation ID: 1450935). This variant has not been reported in the literature in individuals affected with SEMA4A-related conditions. This variant is not present in population databases (gnomAD no frequency). This sequence change replaces arginine, which is basic and polar, with histidine, which is basic and polar, at codon 210 of the SEMA4A protein (p.Arg210His).

NM_022367.4(SEMA4A):c.629G>A (p.Arg210His)

Gene: SEMA4A (semaphorin 4A; plus strand). Cytogenetic location: 1q22.
Variant type: single nucleotide variant.
Coding change: c.629G>A on transcript NM_022367.4 (MANE Select); coding-DNA position 629, G replaced by A.
Protein change: p.Arg210His; replaces arginine 210 with histidine.
Molecular consequence: missense variant.
Genome position (GRCh38, 1-based): chr1:156,160,503, G>A. VCF-style: chr1-156160503-G-A. GRCh37 (hg19) VCF-style: chr1-156130294-G-A.
Other names: c.629G>A, p.Arg210His (NM_001193300.2, NM_001193301.2, NM_001370567.1); c.233G>A, p.Arg78His (NM_001193302.2); c.332G>A, p.Arg111His (NM_001370568.1); c.122G>A, p.Arg41His (NM_001370569.1, NM_001370571.1); short protein forms R210H, R41H, R111H, R78H.
Identifiers: ClinVar variation 1450935 (VCV001450935.6), dbSNP rs1572397940, ClinGen allele CA342837861.